The following is an entry in ClinVar:

NM_018714.3(COG1):c.1887G>C (p.Lys629Asn)

Gene: COG1 (component of oligomeric golgi complex 1; plus strand). Cytogenetic location: 17q25.1.
Variant type: single nucleotide variant.
Coding change: c.1887G>C on transcript NM_018714.3 (MANE Select); coding-DNA position 1887, G replaced by C.
Protein change: p.Lys629Asn; replaces lysine 629 with asparagine.
Molecular consequence: missense variant.
Genome position (GRCh38, 1-based): chr17:73,201,714, G>C. VCF-style: chr17-73201714-G-C. GRCh37 (hg19) VCF-style: chr17-71197853-G-C.
Other names: short protein forms K629N.
Identifiers: ClinVar variation 4779989 (VCV004779989.1).

ClinVar aggregate classification (germline): Uncertain significance (1 of 4 stars; one submission).

Conditions:
COG1 congenital disorder of glycosylation (CDG2G). Also called: CONGENITAL DISORDER OF GLYCOSYLATION, TYPE IIg; CDG IIg; CDGII/COG1 CEREBROCOSTOMANDIBULAR-LIKE SYNDROME. Identifiers: Orphanet 263508, MedGen C2931011, MONDO:0012637, OMIM 611209.

gnomAD v4.1: 5 of 1,614,100 alleles (0.00031%); highest among the groups gnomAD compares: Non-Finnish European, 0.00042%; no homozygotes.

Submission:

Labcorp Genetics (formerly Invitae), Labcorp
Classification: Uncertain significance for COG1 congenital disorder of glycosylation. Last evaluated: 2025-08-23. Review status: criteria provided, single submitter. Criteria: Invitae Variant Classification Sherloc (09022015). Collection method: clinical testing. Allele origin: germline.
Comment: This sequence change replaces lysine, which is basic and polar, with asparagine, which is neutral and polar, at codon 629 of the COG1 protein (p.Lys629Asn). This variant is present in population databases (rs774847295, gnomAD 0.002%). This variant has not been reported in the literature in individuals affected with COG1-related conditions. Invitae Evidence Modeling of protein sequence and biophysical properties (such as structural, functional, and spatial information, amino acid conservation, physicochemical variation, residue mobility, and thermodynamic stability) indicates that this missense variant is not expected to disrupt COG1 protein function with a negative predictive value of 80%. In summary, the available evidence is currently insufficient to determine the role of this variant in disease. Therefore, it has been classified as a Variant of Uncertain Significance.